The following is an entry in ClinVar:

ClinVar aggregate classification (germline): Uncertain significance (1 of 4 stars; one submission).

Allele frequency attached by ClinVar (database versions not stated): gnomAD exomes below 0.00001; ExAC 0.00002.
gnomAD v4.1: 6 of 1,613,336 alleles (0.00037%); highest among the groups gnomAD compares: South Asian, 0.0044%; no homozygotes.

Submission:

Labcorp Genetics (formerly Invitae), Labcorp
Classification: Uncertain significance. Last evaluated: 2022-09-01. Review status: criteria provided, single submitter. Criteria: Invitae Variant Classification Sherloc (09022015). Collection method: clinical testing. Allele origin: germline.
Comment: This sequence change replaces lysine, which is basic and polar, with arginine, which is basic and polar, at codon 269 of the CYP2R1 protein (p.Lys269Arg). This variant is present in population databases (rs782549239, gnomAD 0.006%). This variant has not been reported in the literature in individuals affected with CYP2R1-related conditions. Algorithms developed to predict the effect of missense changes on protein structure and function (SIFT, PolyPhen-2, Align-GVGD) all suggest that this variant is likely to be tolerated. In summary, the available evidence is currently insufficient to determine the role of this variant in disease. Therefore, it has been classified as a Variant of Uncertain Significance.

NM_024514.5(CYP2R1):c.806A>G (p.Lys269Arg)

Genes: CYP2R1 (cytochrome P450 family 2 subfamily R member 1; minus strand), PDE3B (phosphodiesterase 3B; plus strand). Cytogenetic location: 11p15.2.
Variant type: single nucleotide variant.
Coding change: c.806A>G on transcript NM_024514.5 (MANE Select); coding-DNA position 806, A replaced by G.
Protein change: p.Lys269Arg; replaces lysine 269 with arginine.
Molecular consequence: missense variant. On other transcripts: non-coding transcript variant (8), intron variant (1).
Genome position (GRCh38, 1-based): chr11:14,880,330, T>C on the plus strand (A>G on the coding strand, the complement: CYP2R1 is on the minus strand). VCF-style: chr11-14880330-T-C. GRCh37 (hg19) VCF-style: chr11-14901876-T-C.
Other names: c.461A>G, p.Lys154Arg (NM_001377214.1, NM_001377215.1, NM_001377216.1 and 5 more transcripts); c.644A>G, p.Lys215Arg (NM_001377217.1); c.107A>G, p.Lys36Arg (NM_001400562.1, NM_001400563.1, NM_001400564.1 and 1 more transcripts); c.662A>G, p.Lys221Arg (NM_001400567.1); c.761A>G, p.Lys254Arg (NM_001400568.1); c.23-887A>G (NM_001400566.1); short protein forms K154R, K215R, K221R, K36R, K254R, K269R.
Identifiers: ClinVar variation 1996774 (VCV001996774.1), dbSNP rs782549239, ClinGen allele CA5896632.
Genomic context (GRCh38, chr11:14,880,330, plus strand): 5'-TTTTTACCTTGATCCATCTCATCTAAATAAGCATCAACAAAATGCTGAGGTAGCTGAGGC[T>C]TTCTGTTGACTGAAGCTTTTTCAATGAGTCTGGAGAGAAAATCATAGACTACAGCTGCAT-3'
Protein context (NP_078790.2, residues 259-279): RLIEKASVNR[Lys269Arg]PQLPQHFVDA